The following is an entry in ClinVar:

NM_001199107.2(TBC1D24):c.1211G>A (p.Cys404Tyr)

Gene: TBC1D24 (TBC1 domain family member 24; plus strand). Cytogenetic location: 16p13.3.
Variant type: single nucleotide variant.
Coding change: c.1211G>A on transcript NM_001199107.2 (MANE Select); coding-DNA position 1211, G replaced by A.
Protein change: p.Cys404Tyr; replaces cysteine 404 with tyrosine.
Molecular consequence: missense variant.
Genome position (GRCh38, 1-based): chr16:2,499,839, G>A. VCF-style: chr16-2499839-G-A. GRCh37 (hg19) VCF-style: chr16-2549840-G-A.
Other names: c.1193G>A, p.Cys398Tyr (NM_020705.3); short protein forms C398Y, C404Y.
Identifiers: ClinVar variation 4884772 (VCV004884772.1).

ClinVar aggregate classification (germline): Uncertain significance (1 of 4 stars; one submission).

Conditions:
Developmental and epileptic encephalopathy, 16 (DEE16). Also called: Early infantile epileptic encephalopathy 16; TBC1D24-Related Developmental and Epileptic Encephalopathy (DEE). Identifiers: Orphanet 293181, Orphanet 352596, MedGen C3809173, MONDO:0014133, OMIM 615338.

Submission:

Kasturba Medical College, Manipal, Kasturba Medical College, Manipal, Manipal Academy of Higher Education, Manipal, India
Classification: Uncertain significance for Developmental and epileptic encephalopathy, 16. Last evaluated: 2026-07-28. Review status: criteria provided, single submitter. Criteria: ACMG Guidelines, 2015. Collection method: research. Allele origin: unknown. Inheritance: Autosomal recessive inheritance. Affected: yes. Observed: 1 variant allele, 1 homozygote.
Comment: This variant is absent in heterozygous and/or homozygous state in population database gnomAD (v4.1.1) and our in-house database of 4276 exomes. In silico prediction tools (AlphaMissense, CADD_Phred) are consistent in predicting the variant to be damaging to TBC1D24 protein function.